The following is an entry in ClinVar:

ClinVar aggregate classification (germline): Pathogenic (1 of 4 stars; one submission).

Conditions:
Inborn genetic diseases. Identifiers: MedGen C0950123, MeSH D030342.

Submission:

Ambry Genetics
Classification: Pathogenic for Inborn genetic diseases. Last evaluated: 2025-10-14. Review status: criteria provided, single submitter. Criteria: Ambry Variant Classification Scheme 2023. Collection method: clinical testing. Allele origin: germline.
Comment: The c.2919_2920delGA (p.E973Dfs*203) alteration, located in exon 20 (coding exon 20) of the EHMT1 gene, consists of a deletion of 2 nucleotides from position 2919 to 2920, causing a translational frameshift with a predicted alternate stop codon after 203 amino acids. This alteration is expected to result in loss of function by premature protein truncation or nonsense-mediated mRNA decay. This variant was not reported in population-based cohorts in the Genome Aggregation Database (gnomAD). Based on the available evidence, this alteration is classified as pathogenic.

NM_024757.5(EHMT1):c.2919_2920del (p.Glu973fs)

Gene: EHMT1 (euchromatic histone lysine methyltransferase 1; plus strand). Cytogenetic location: 9q34.3.
Variant type: Microsatellite.
Coding change: c.2919_2920del on transcript NM_024757.5 (MANE Select); coding-DNA positions 2919 to 2920, 2 bases deleted (GA; older notation c.2919_2920delGA).
Protein change: p.Glu973fs; shifts the reading frame from glutamic acid 973.
Molecular consequence: frameshift variant.
Genome position (GRCh38, 1-based): chr9:137,813,057-137,813,058, GA deleted; deleting any 2 consecutive bases within chr9:137,813,053-137,813,058 gives the same sequence; the c. name uses the placement nearest the transcript's 3' end. VCF-style (leftmost placement, unchanged base first): chr9-137813052-GGA-G. GRCh37 (hg19) VCF-style: chr9-140707504-GGA-G.
Other names: c.2898_2899del, p.Glu966fs (NM_001354263.2); short protein forms E973fs, E966fs.
Identifiers: ClinVar variation 4618299 (VCV004618299.1).